The following is an entry in ClinVar:

ClinVar aggregate classification (germline): Uncertain significance. Review status: criteria provided, multiple submitters, no conflicts (2 of 4 stars). 5 submissions from 5 submitters: Uncertain significance (4). 1 of the submissions does not count toward it. Last evaluated 2025-09-10.

Conditions:
Inborn genetic diseases. Identifiers: MedGen C0950123, MeSH D030342.
Juvenile retinoschisis (RS1). Also called: X-linked retinoschisis; X-Linked Juvenile Retinoschisis. Identifiers: Orphanet 792, MedGen C3714753, MONDO:0010725, OMIM 312700.

Allele frequency attached by ClinVar (database versions not stated): TOPMed 0.00001; gnomAD exomes 0.00001.
gnomAD v4.1: 12 of 1,210,961 alleles (0.00099%); highest among the groups gnomAD compares: East Asian, 0.018%; no homozygotes.

Submissions (5):

3billion
Classification: Uncertain significance for Juvenile retinoschisis. Last evaluated: 2025-09-10. Review status: criteria provided, single submitter. Criteria: ACMG Guidelines, 2015. Collection method: clinical testing. Allele origin: germline. Affected: yes.
Comment: The variant is observed at an extremely low frequency in the gnomAD v4.1.0 dataset (total allele frequency: 0.001%). Predicted Consequence/Location: Missense variant In silico tool predictions suggest damaging effect of the variant on gene or gene product [REVEL: 0.63 (>=0.6, sensitivity 0.68 and specificity 0.92); 3Cnet: 0.89 (> 0.75, sensitivity 0.96 and precision 0.92)]. A different missense change at the same codon (p.Arg191Pro) has been reported to be associated with RS1-related disorder (PMID: 23453514). However the evidence of pathogenicity is insufficient at this time. Therefore, this variant is classified as VUS according to the recommendation of ACMG/AMP guideline.

Ambry Genetics
Classification: Uncertain significance for Inborn genetic diseases. Last evaluated: 2023-12-22. Review status: criteria provided, single submitter. Criteria: Ambry Variant Classification Scheme 2023. Collection method: clinical testing. Allele origin: germline.

Labcorp Genetics (formerly Invitae), Labcorp
Classification: Uncertain significance. Last evaluated: 2022-08-04. Review status: criteria provided, single submitter. Criteria: Invitae Variant Classification Sherloc (09022015). Collection method: clinical testing. Allele origin: germline.
Comment: This sequence change replaces arginine, which is basic and polar, with glutamine, which is neutral and polar, at codon 191 of the RS1 protein (p.Arg191Gln). This variant is present in population databases (no rsID available, gnomAD 0.008%). This variant has not been reported in the literature in individuals affected with RS1-related conditions. ClinVar contains an entry for this variant (Variation ID: 938640). Advanced modeling of protein sequence and biophysical properties (such as structural, functional, and spatial information, amino acid conservation, physicochemical variation, residue mobility, and thermodynamic stability) performed at Invitae indicates that this missense variant is expected to disrupt RS1 protein function. In summary, the available evidence is currently insufficient to determine the role of this variant in disease. Therefore, it has been classified as a Variant of Uncertain Significance.

Blueprint Genetics
Classification: Uncertain significance. Last evaluated: 2022-03-17. Review status: criteria provided, single submitter. Criteria: ACMG Guidelines, 2015. Collection method: clinical testing. Allele origin: germline.

Natera, Inc.
Classification: Uncertain significance for X-linked retinoschisis. Last evaluated: 2020-11-20. Review status: no assertion criteria provided. Collection method: clinical testing. Allele origin: germline. Not counted in ClinVar's aggregate classification.

Literature cited by the submitters: PubMed 23453514 (cited by 3billion).

NM_000330.4(RS1):c.572G>A (p.Arg191Gln)

Genes: CDKL5 (cyclin dependent kinase like 5; plus strand), RS1 (retinoschisin 1; minus strand). Cytogenetic location: Xp22.13.
Variant type: single nucleotide variant.
Coding change: c.572G>A on transcript NM_000330.4 (MANE Select); coding-DNA position 572, G replaced by A.
Protein change: p.Arg191Gln; replaces arginine 191 with glutamine.
Molecular consequence: missense variant. On other transcripts: intron variant (2).
Genome position (GRCh38, 1-based): chrX:18,642,107, C>T on the plus strand (G>A on the coding strand, the complement: RS1 is on the minus strand). VCF-style: chrX-18642107-C-T. GRCh37 (hg19) VCF-style: chrX-18660227-C-T.
Other names: c.2714-3900C>T (NM_003159.3, NM_001037343.2); short protein forms R191Q.
Identifiers: ClinVar variation 938640 (VCV000938640.11), dbSNP rs1402116265, ClinGen allele CA412370423.